The following is an entry in ClinVar:

NM_004006.3(DMD):c.850C>T (p.Gln284Ter)

Gene: DMD (dystrophin; minus strand). Cytogenetic location: Xp21.1.
Variant type: single nucleotide variant.
Coding change: c.850C>T on transcript NM_004006.3 (MANE Select); coding-DNA position 850, C replaced by T.
Protein change: p.Gln284Ter; replaces glutamine 284 with a stop codon.
Molecular consequence: nonsense.
Genome position (GRCh38, 1-based): chrX:32,697,980, G>A on the plus strand (C>T on the coding strand, the complement: DMD is on the minus strand). VCF-style: chrX-32697980-G-A. GRCh37 (hg19) VCF-style: chrX-32716097-G-A.
Other names: c.826C>T, p.Gln276Ter (NM_000109.4); c.838C>T, p.Gln280Ter (NM_004009.3); c.481C>T, p.Gln161Ter (NM_004010.3); short protein forms Q161*, Q280*, Q276*, Q284*.
Identifiers: ClinVar variation 3677199 (VCV003677199.2).

ClinVar aggregate classification (germline): Pathogenic (1 of 4 stars; one submission).

Conditions:
Duchenne muscular dystrophy (DMD). Also called: MUSCULAR DYSTROPHY, PSEUDOHYPERTROPHIC PROGRESSIVE, DUCHENNE TYPE; Duchenne Muscular Dystrophy (DMD). Identifiers: Orphanet 98896, MedGen C0013264, MONDO:0010679, OMIM 310200.

Submission:

Labcorp Genetics (formerly Invitae), Labcorp
Classification: Pathogenic for Duchenne muscular dystrophy. Last evaluated: 2024-08-13. Review status: criteria provided, single submitter. Criteria: Invitae Variant Classification Sherloc (09022015). Collection method: clinical testing. Allele origin: germline.
Comment: This sequence change creates a premature translational stop signal (p.Gln284*) in the DMD gene. It is expected to result in an absent or disrupted protein product. Loss-of-function variants in DMD are known to be pathogenic (PMID: 16770791, 25007885). This variant is not present in population databases (gnomAD no frequency). This premature translational stop signal has been observed in individual(s) with Duchenne muscular dystrophy (PMID: 33420945). Algorithms developed to predict the effect of sequence changes on RNA splicing suggest that this variant may disrupt the consensus splice site. For these reasons, this variant has been classified as Pathogenic.

Literature cited by the submitters: PubMed 16770791; PubMed 25007885; PubMed 33420945.